The following is an entry in ClinVar:

NM_182961.4(SYNE1):c.19637G>A (p.Arg6546His)

Gene: SYNE1 (spectrin repeat containing nuclear envelope protein 1; minus strand). Cytogenetic location: 6q25.2.
Variant type: single nucleotide variant.
Coding change: c.19637G>A on transcript NM_182961.4 (MANE Select); coding-DNA position 19637, G replaced by A.
Protein change: p.Arg6546His; replaces arginine 6546 with histidine.
Molecular consequence: missense variant.
Genome position (GRCh38, 1-based): chr6:152,244,592, C>T on the plus strand (G>A on the coding strand, the complement: SYNE1 is on the minus strand). VCF-style: chr6-152244592-C-T. GRCh37 (hg19) VCF-style: chr6-152565727-C-T.
Other names: c.19424G>A (NM_033071.3); c.19424G>A, p.Arg6475His (NM_033071.5); short protein forms R6546H, R6475H.
Identifiers: ClinVar variation 1363677 (VCV001363677.8), dbSNP rs375565416, ClinGen allele CA4054623.

ClinVar aggregate classification (germline): Uncertain significance. Review status: criteria provided, multiple submitters, no conflicts (2 of 4 stars). 2 submissions from 2 submitters: Uncertain significance (2). Last evaluated 2022-09-06.

Conditions:
Autosomal recessive ataxia, Beauce type. Also called: SYNE1-Related Autosomal Recessive Cerebellar Ataxia; SYNE1 Deficiency; Spinocerebellar ataxia, autosomal recessive 8; ATAXIA, RECESSIVE, OF BEAUCE. Identifiers: Orphanet 88644, MedGen C1853116, MONDO:0012549, OMIM 610743.
Emery-Dreifuss muscular dystrophy 4, autosomal dominant (EDMD4). Also called: EMERY-DREIFUSS MUSCULAR DYSTROPHY 4 WITH VARIABLE FEATURES. Identifiers: Orphanet 261, MedGen C2751807, MONDO:0013071, OMIM 612998.

Allele frequency attached by ClinVar (database versions not stated): ExAC 0.00007; ESP Exome Variant Server 0.00008; gnomAD 0.00001; TOPMed 0.00002; gnomAD exomes 0.00003.
gnomAD v4.1: 43 of 1,613,958 alleles (0.0027%); highest among the groups gnomAD compares: South Asian, 0.014%; no homozygotes.

Submissions (2):

Labcorp Genetics (formerly Invitae), Labcorp
Classification: Uncertain significance for Emery-Dreifuss muscular dystrophy 4, autosomal dominant; Autosomal recessive ataxia, Beauce type. Last evaluated: 2022-09-06. Review status: criteria provided, single submitter. Criteria: Invitae Variant Classification Sherloc (09022015). Collection method: clinical testing. Allele origin: germline.
Comment: In summary, the available evidence is currently insufficient to determine the role of this variant in disease. Therefore, it has been classified as a Variant of Uncertain Significance. Algorithms developed to predict the effect of missense changes on protein structure and function (SIFT, PolyPhen-2, Align-GVGD) all suggest that this variant is likely to be tolerated. ClinVar contains an entry for this variant (Variation ID: 1363677). This variant has not been reported in the literature in individuals affected with SYNE1-related conditions. This variant is present in population databases (rs375565416, gnomAD 0.02%). This sequence change replaces arginine, which is basic and polar, with histidine, which is basic and polar, at codon 6475 of the SYNE1 protein (p.Arg6475His).

Revvity Omics, Revvity
Classification: Uncertain significance. Last evaluated: 2019-01-31. Review status: criteria provided, single submitter. Criteria: ACMG Guidelines, 2015. Collection method: clinical testing. Allele origin: germline.